The following is an entry in ClinVar:

NM_001348323.3(TRIP12):c.984G>T (p.Glu328Asp)

Gene: TRIP12 (thyroid hormone receptor interactor 12; minus strand). Cytogenetic location: 2q36.3.
Variant type: single nucleotide variant.
Coding change: c.984G>T on transcript NM_001348323.3 (MANE Select); coding-DNA position 984, G replaced by T.
Protein change: p.Glu328Asp; replaces glutamic acid 328 with aspartic acid.
Molecular consequence: missense variant. On other transcripts: intron variant (1).
Genome position (GRCh38, 1-based): chr2:229,858,815, C>A on the plus strand (G>T on the coding strand, the complement: TRIP12 is on the minus strand). VCF-style: chr2-229858815-C-A. GRCh37 (hg19) VCF-style: chr2-230723531-C-A.
Other names: c.984G>T, p.Glu328Asp (NM_001284214.2, NM_001348315.2, NM_001348319.1 and 13 more transcripts); c.858G>T, p.Glu286Asp (NM_001284215.2, NM_001348316.2, NM_001348317.1 and 3 more transcripts); c.897G>T, p.Glu299Asp (NM_001348332.1, NM_001348334.1); c.98+21167G>T (NM_001284216.2); short protein forms E286D, E299D, E328D.
Identifiers: ClinVar variation 2502126 (VCV002502126.1), dbSNP rs1300230501, ClinGen allele CA350893728.
Genomic context (GRCh38, chr2:229,858,815, plus strand): 5'-CCTTTTTGTAAACTTACTTGCTAATTTGGCCTGTAATCCAGAAGGTCCAGGTTTTGATGT[C>A]TCTGACTTAGAAGACCCTGGAAGAGACAGTTTTGTTTTAGGAAGGCTAACTTTAGGGCTG-3'
Protein context (NP_001335252.1, residues 318-338): KLSLPGSSKS[Glu328Asp]TSKPGPSGLQ

ClinVar aggregate classification (germline): Uncertain significance (1 of 4 stars; one submission).

Allele frequency attached by ClinVar (database versions not stated): TOPMed below 0.00001; gnomAD 0.00001.
gnomAD v4.1: 7 of 1,609,108 alleles (0.00044%); highest among the groups gnomAD compares: Non-Finnish European, 0.00051%; no homozygotes.

Submission:

GeneDx
Classification: Uncertain significance. Last evaluated: 2023-05-10. Review status: criteria provided, single submitter. Criteria: GeneDx Variant Classification Process June 2021. Collection method: clinical testing. Allele origin: germline. Affected: yes.
Comment: Not observed at significant frequency in large population cohorts (gnomAD); In silico analysis supports that this missense variant does not alter protein structure/function; Has not been previously published as pathogenic or benign to our knowledge